The following is an entry in ClinVar:

ClinVar aggregate classification (germline): Conflicting classifications of pathogenicity. Review status: criteria provided, conflicting classifications (1 of 4 stars). 2 submissions from 2 submitters: Uncertain significance (1); Likely benign (1). Last evaluated 2026-07-31.

Conditions:
Hereditary cancer-predisposing syndrome. Also called: Hereditary Cancer Syndrome; Neoplastic Syndromes, Hereditary; Hereditary neoplastic syndrome; Tumor predisposition. Identifiers: Orphanet 140162, MedGen C0027672, MeSH D009386, MONDO:0015356.
Familial cancer of breast. Also called: hereditary breast carcinoma; Hereditary breast cancer; BREAST CANCER, FAMILIAL. Identifiers: Orphanet 227535, MedGen C0346153, MONDO:0016419, OMIM 114480. Disease mechanism: loss of function.

gnomAD v4.1: 1 of 1,614,182 alleles (0.000062%); highest among the groups gnomAD compares: Non-Finnish European, 0.000085%; no homozygotes.

Submissions (2):

Ambry Genetics
Classification: Likely benign for Hereditary cancer-predisposing syndrome. Last evaluated: 2026-07-31. Review status: criteria provided, single submitter. Criteria: Ambry Variant Classification Scheme 2023. Collection method: clinical testing. Allele origin: germline.

Labcorp Genetics (formerly Invitae), Labcorp
Classification: Uncertain significance for Familial cancer of breast. Last evaluated: 2022-08-09. Review status: criteria provided, single submitter. Criteria: Invitae Variant Classification Sherloc (09022015). Collection method: clinical testing. Allele origin: germline.
Comment: This variant is not present in population databases (gnomAD no frequency). In summary, the available evidence is currently insufficient to determine the role of this variant in disease. Therefore, it has been classified as a Variant of Uncertain Significance. Algorithms developed to predict the effect of missense changes on protein structure and function output the following: SIFT: "Tolerated"; PolyPhen-2: "Benign"; Align-GVGD: "Class C0". The cysteine amino acid residue is found in multiple mammalian species, which suggests that this missense change does not adversely affect protein function. ClinVar contains an entry for this variant (Variation ID: 1440580). This variant has not been reported in the literature in individuals affected with PALB2-related conditions. This sequence change replaces serine, which is neutral and polar, with cysteine, which is neutral and slightly polar, at codon 534 of the PALB2 protein (p.Ser534Cys).

NM_024675.4(PALB2):c.1601C>G (p.Ser534Cys)

Gene: PALB2 (partner and localizer of BRCA2; minus strand). Cytogenetic location: 16p12.2.
Variant type: single nucleotide variant.
Coding change: c.1601C>G on transcript NM_024675.4 (MANE Select); coding-DNA position 1601, C replaced by G.
Protein change: p.Ser534Cys; replaces serine 534 with cysteine.
Molecular consequence: missense variant.
Genome position (GRCh38, 1-based): chr16:23,634,945, G>C on the plus strand (C>G on the coding strand, the complement: PALB2 is on the minus strand). VCF-style: chr16-23634945-G-C. GRCh37 (hg19) VCF-style: chr16-23646266-G-C.
Other names: c.1601C>G (NM_024675.3); short protein forms S534C.
Identifiers: ClinVar variation 1440580 (VCV001440580.10), dbSNP rs1555461200, ClinGen allele CA395130522.